The following is an entry in ClinVar:

ClinVar aggregate classification (germline): Uncertain significance (1 of 4 stars; one submission).

Submission:

GeneDx
Classification: Uncertain significance. Last evaluated: 2025-04-01. Review status: criteria provided, single submitter. Criteria: GeneDx Variant Classification Process June 2021. Collection method: clinical testing. Allele origin: germline. Affected: yes.
Comment: Not observed at significant frequency in large population cohorts (gnomAD); In-frame duplication of 7 amino acid(s) in a non-repeat region; Has not been previously published as pathogenic or benign to our knowledge

NM_018026.4(PACS1):c.178_198dup (p.Ser66_Ser67insThrSerAlaAlaAlaAlaSer)

Gene: PACS1 (phosphofurin acidic cluster sorting protein 1; plus strand). Cytogenetic location: 11q13.1.
Variant type: Duplication.
Coding change: c.178_198dup on transcript NM_018026.4 (MANE Select); coding-DNA positions 178 to 198, 21 bases duplicated (ACCTCGGCGGCGGCTGCCTCC).
Protein change: p.Ser66_Ser67insThrSerAlaAlaAlaAlaSer.
Molecular consequence: inframe insertion.
Genome position (GRCh38, 1-based): chr11:66,070,664-66,070,684, ACCTCGGCGGCGGCTGCCTCC duplicated; duplicating any 21 consecutive bases within chr11:66,070,661-66,070,684 gives the same sequence; the c. name uses the placement nearest the transcript's 3' end. VCF-style (leftmost placement, unchanged base first): chr11-66070660-G-GTCCACCTCGGCGGCGGCTGCC. GRCh37 (hg19) VCF-style: chr11-65838131-G-GTCCACCTCGGCGGCGGCTGCC.
Identifiers: ClinVar variation 4278868 (VCV004278868.1).